The following is an entry in ClinVar:

NM_000088.4(COL1A1):c.1460G>A (p.Arg487His)

Gene: COL1A1 (collagen type I alpha 1 chain; minus strand). Cytogenetic location: 17q21.33.
Variant type: single nucleotide variant.
Coding change: c.1460G>A on transcript NM_000088.4 (MANE Select); coding-DNA position 1460, G replaced by A.
Protein change: p.Arg487His; replaces arginine 487 with histidine.
Molecular consequence: missense variant.
Genome position (GRCh38, 1-based): chr17:50,194,722, C>T on the plus strand (G>A on the coding strand, the complement: COL1A1 is on the minus strand). VCF-style: chr17-50194722-C-T. GRCh37 (hg19) VCF-style: chr17-48272083-C-T.
Other names: short protein forms R487H.
Identifiers: ClinVar variation 1051402 (VCV001051402.10), dbSNP rs2144572836, ClinGen allele CA400217597.

ClinVar aggregate classification (germline): Uncertain significance (1 of 4 stars; one submission).

Conditions:
Osteogenesis imperfecta type I (OI1). Also called: Lobstein's Disease; Classic Non-deforming Osteogenesis Imperfecta with Blue Sclerae; OI, TYPE I; OSTEOGENESIS IMPERFECTA TARDA; OSTEOGENESIS IMPERFECTA WITH BLUE SCLERAE; Lobstein disease. Identifiers: Orphanet 216796, Orphanet 666, MedGen C0023931, MONDO:0008146, OMIM 166200. Disease mechanism: loss of function.

Allele frequency attached by ClinVar (database versions not stated): gnomAD exomes below 0.00001.

Submission:

Labcorp Genetics (formerly Invitae), Labcorp
Classification: Uncertain significance for Osteogenesis imperfecta type I. Last evaluated: 2025-01-27. Review status: criteria provided, single submitter. Criteria: Invitae Variant Classification Sherloc (09022015). Collection method: clinical testing. Allele origin: germline.
Comment: This sequence change replaces arginine, which is basic and polar, with histidine, which is basic and polar, at codon 487 of the COL1A1 protein (p.Arg487His). This variant is not present in population databases (gnomAD no frequency). This variant has not been reported in the literature in individuals affected with COL1A1-related conditions. ClinVar contains an entry for this variant (Variation ID: 1051402). Experimental studies and prediction algorithms are not available or were not evaluated, and the functional significance of this variant is currently unknown. In summary, the available evidence is currently insufficient to determine the role of this variant in disease. Therefore, it has been classified as a Variant of Uncertain Significance.